The following is an entry in ClinVar:

ClinVar aggregate classification (germline): Uncertain significance (1 of 4 stars; one submission).

Conditions:
Encephalopathy, acute, infection-induced (herpes-specific), susceptibility to, 1. Also called: Herpes simplex encephalitis, susceptibility to, 1. Identifiers: Orphanet 1930, MedGen C2750180, MONDO:0024563, OMIM 610551.

Submission:

Labcorp Genetics (formerly Invitae), Labcorp
Classification: Uncertain significance for Encephalopathy, acute, infection-induced (herpes-specific), susceptibility to, 1. Last evaluated: 2025-09-27. Review status: criteria provided, single submitter. Criteria: Invitae Variant Classification Sherloc (09022015). Collection method: clinical testing. Allele origin: germline.
Comment: This sequence change creates a premature translational stop signal (p.Leu433*) in the TLR3 gene. It is expected to result in an absent or disrupted protein product. However, the current clinical and genetic evidence is not sufficient to establish whether loss-of-function variants in TLR3 cause disease. This variant is not present in population databases (gnomAD no frequency). This variant has not been reported in the literature in individuals affected with TLR3-related conditions. In summary, the available evidence is currently insufficient to determine the role of this variant in disease. Therefore, it has been classified as a Variant of Uncertain Significance.

NM_003265.3(TLR3):c.1297del (p.His432_Leu433insTer)

Gene: TLR3 (toll like receptor 3; plus strand). Cytogenetic location: 4q35.1.
Variant type: Deletion.
Coding change: c.1297del on transcript NM_003265.3 (MANE Select); coding-DNA position 1297, one base deleted (C; older notation c.1297delC).
Protein change: p.His432_Leu433insTer.
Molecular consequence: nonsense.
Genome position (GRCh38, 1-based): chr4:186,082,983, C deleted; the last of 2 consecutive C bases (chr4:186,082,982-186,082,983); deleting either gives the same sequence. VCF-style (leftmost placement, unchanged base first): chr4-186082981-AC-A. GRCh37 (hg19) VCF-style: chr4-187004135-AC-A.
Identifiers: ClinVar variation 4727682 (VCV004727682.1).